The following is an entry in ClinVar:

NM_017841.4(SDHAF2):c.36+2T>A

Gene: SDHAF2 (succinate dehydrogenase complex assembly factor 2; plus strand). Cytogenetic location: 11q12.2.
Variant type: single nucleotide variant.
Coding change: c.36+2T>A on transcript NM_017841.4 (MANE Select); the canonical splice donor site of the intron after coding-DNA position 36, T replaced by A.
Molecular consequence: splice donor variant.
Genome position (GRCh38, 1-based): chr11:61,430,184, T>A. VCF-style: chr11-61430184-T-A. GRCh37 (hg19) VCF-style: chr11-61197656-T-A.
Identifiers: ClinVar variation 4758985 (VCV004758985.1).

ClinVar aggregate classification (germline): Uncertain significance (1 of 4 stars; one submission).

Conditions:
Hereditary pheochromocytoma and paraganglioma. Also called: Hereditary Paraganglioma-Pheochromocytoma Syndromes; Hereditary paragangliomas and pheochromocytomas; Hereditary pheochromocytoma-paraganglioma. Identifiers: Orphanet 29072, MedGen C4274332, MONDO:0017366.

gnomAD v4.1: 1 of 1,614,042 alleles (0.000062%); highest among the groups gnomAD compares: African/African-American, 0.0013%; no homozygotes.

Submission:

Color Diagnostics, LLC DBA Color Health
Classification: Uncertain significance for Hereditary pheochromocytoma and paraganglioma. Last evaluated: 2025-08-04. Review status: criteria provided, single submitter. Criteria: ACMG Guidelines, 2015. Collection method: clinical testing. Allele origin: germline.
Comment: This variant causes a T>A nucleotide substitution at the +2 position of intron 1 of the SDHAF2 gene. Splice site prediction tools suggest that this variant may have a significant impact on RNA splicing. To our knowledge, RNA studies have not been reported for this variant and the impact at the protein level is uncertain. The function of the first 12 amino acids is unknown and an in-frame methionine at codon 13 may rescue translation and preserve mitochondrial import. This variant has not been reported in individuals affected with SDHAF2-related disorders in the literature. This variant has been identified in 1/31402 chromosomes in the general population by the Genome Aggregation Database (gnomAD). The available evidence is insufficient to determine the role of this variant in disease conclusively. Therefore, this variant is classified as a Variant of Uncertain Significance.